The following is an entry in ClinVar:

ClinVar aggregate classification (germline): Uncertain significance (1 of 4 stars; one submission).

Conditions:
Dihydropteridine reductase deficiency (HPABH4C). Also called: BH4-Deficient Hyperphenylalaninemia C; HYPERPHENYLALANINEMIA, TETRAHYDROBIOPTERIN-DEFICIENT, DUE TO DHPR DEFICIENCY; QDPR DEFICIENCY; QUINOID DIHYDROPTERIDINE REDUCTASE DEFICIENCY; DHPR DEFICIENCY; Hyperphenylalaninemia due to dihydropteridine reductase deficiency. Identifiers: Orphanet 226, Orphanet 238583, MedGen C0268465, MONDO:0009862, OMIM 261630.

Submission:

Juno Genomics, Hangzhou Juno Genomics, Inc
Classification: Uncertain significance for Dihydropteridine reductase deficiency. Review status: criteria provided, single submitter. Criteria: ACMG Guidelines, 2015. Collection method: clinical testing. Allele origin: germline.
Comment: Absent from controls (or at extremely low frequency if recessive) in Genome Aggregation Database.;Multiple lines of computational evidence support a deleterious effect on the gene or gene product.

NM_000320.3(QDPR):c.198+3A>G

Gene: QDPR (quinoid dihydropteridine reductase; minus strand). Cytogenetic location: 4p15.32.
Variant type: single nucleotide variant.
Coding change: c.198+3A>G on transcript NM_000320.3 (MANE Select); 3 bases into the intron after coding-DNA position 198, A replaced by G.
Molecular consequence: intron variant.
Genome position (GRCh38, 1-based): chr4:17,509,268, T>C on the plus strand (A>G on the coding strand, the complement: QDPR is on the minus strand). VCF-style: chr4-17509268-T-C. GRCh37 (hg19) VCF-style: chr4-17510891-T-C.
Other names: c.105+2682A>G (NM_001306140.2).
Identifiers: ClinVar variation 5019264 (VCV005019264.2).